The following is an entry in ClinVar:

ClinVar aggregate classification (germline): Likely benign. Review status: criteria provided, multiple submitters, no conflicts (2 of 4 stars). 2 submissions from 2 submitters: Likely benign (2). Last evaluated 2025-07-21.

Conditions:
Alzheimer disease. Also called: Presenile and senile dementia; Alzheimer's disease. Identifiers: Orphanet 1020, MedGen C0002395, MeSH D000544, MONDO:0004975, HP:0002511.

Allele frequency attached by ClinVar (database versions not stated): TOPMed 0.00023; 1000 Genomes Project 30x 0.00031; gnomAD exomes 0.00002 and 0.00003; ExAC 0.00004; gnomAD 0.00018 and 0.00019; 1000 Genomes Project 0.00020; ESP Exome Variant Server 0.00023.
gnomAD v4.1: 52 of 1,614,172 alleles (0.0032%); highest among the groups gnomAD compares: African/African-American, 0.06%; no homozygotes.

Submissions (2):

Labcorp Genetics (formerly Invitae), Labcorp
Classification: Likely benign for Alzheimer disease. Last evaluated: 2025-07-21. Review status: criteria provided, single submitter. Criteria: Invitae Variant Classification Sherloc (09022015). Collection method: clinical testing. Allele origin: germline.

Mayo Clinic Laboratories, Mayo Clinic
Classification: Likely benign. Last evaluated: 2025-06-16. Review status: criteria provided, single submitter. Criteria: ACMG Guidelines, 2015. Collection method: clinical testing. Allele origin: germline. Observed: 1 variant allele.
Comment: BS2, BP4, BP7

NM_000484.4(APP):c.1800G>A (p.Thr600=)

Gene: APP (amyloid beta precursor protein; minus strand). Cytogenetic location: 21q21.3.
Variant type: single nucleotide variant.
Coding change: c.1800G>A on transcript NM_000484.4 (MANE Select); coding-DNA position 1800, G replaced by A.
Protein change: p.Thr600=; no amino-acid change (threonine 600 retained).
Molecular consequence: synonymous variant.
Genome position (GRCh38, 1-based): chr21:25,911,850, C>T on the plus strand (G>A on the coding strand, the complement: APP is on the minus strand). VCF-style: chr21-25911850-C-T. GRCh37 (hg19) VCF-style: chr21-27284162-C-T.
Other names: p.Thr600=; c.1728G>A, p.Thr576= (NM_001136016.3); c.1407G>A, p.Thr469= (NM_001136129.3); c.1632G>A, p.Thr544= (NM_001136130.3, NM_001385253.1); c.1470G>A, p.Thr490= (NM_001136131.3); c.1800G>A, p.Thr600= (NM_001204301.2); c.1743G>A, p.Thr581= (NM_001204302.2, NM_201413.3); c.1575G>A, p.Thr525= (NM_001204303.2, NM_201414.3).
Identifiers: ClinVar variation 710556 (VCV000710556.8), dbSNP rs138434918, ClinGen allele CA9987192.